The following is an entry in ClinVar:

NM_003190.5(TAPBP):c.844G>T (p.Val282Phe)

Gene: TAPBP (TAP binding protein; minus strand). Cytogenetic location: 6p21.32.
Variant type: single nucleotide variant.
Coding change: c.844G>T on transcript NM_003190.5 (MANE Select); coding-DNA position 844, G replaced by T.
Protein change: p.Val282Phe; replaces valine 282 with phenylalanine.
Molecular consequence: missense variant.
Genome position (GRCh38, 1-based): chr6:33,305,013, C>A on the plus strand (G>T on the coding strand, the complement: TAPBP is on the minus strand). VCF-style: chr6-33305013-C-A. GRCh37 (hg19) VCF-style: chr6-33272790-C-A.
Other names: c.844G>T, p.Val282Phe (NM_172208.3); c.583G>T, p.Val195Phe (NM_172209.3); short protein forms V282F, V195F.
Identifiers: ClinVar variation 1489158 (VCV001489158.6), dbSNP rs2150961490, ClinGen allele CA363690326.

ClinVar aggregate classification (germline): Uncertain significance (1 of 4 stars; one submission).

Conditions:
MHC class I deficiency. Identifiers: Orphanet 34592, MedGen C6024714, MONDO:0011476.

gnomAD v4.1: 1 of 1,614,202 alleles (0.000062%); highest among the groups gnomAD compares: African/African-American, 0.0013%; no homozygotes.

Submission:

Labcorp Genetics (formerly Invitae), Labcorp
Classification: Uncertain significance for MHC class I deficiency 1. Last evaluated: 2021-10-20. Review status: criteria provided, single submitter. Criteria: Invitae Variant Classification Sherloc (09022015). Collection method: clinical testing. Allele origin: germline.
Comment: Algorithms developed to predict the effect of missense changes on protein structure and function are either unavailable or do not agree on the potential impact of this missense change (SIFT: "Tolerated"; PolyPhen-2: "Probably Damaging"; Align-GVGD: "Class C0"). In summary, the available evidence is currently insufficient to determine the role of this variant in disease. Therefore, it has been classified as a Variant of Uncertain Significance. This variant has not been reported in the literature in individuals affected with TAPBP-related conditions. This variant is not present in population databases (ExAC no frequency). This sequence change replaces valine with phenylalanine at codon 282 of the TAPBP protein (p.Val282Phe). The valine residue is moderately conserved and there is a small physicochemical difference between valine and phenylalanine.